The following is an entry in ClinVar:

NM_014694.4(ADAMTSL2):c.*92G>A

Gene: ADAMTSL2 (ADAMTS like 2; plus strand). Cytogenetic location: 9q34.2.
Variant type: single nucleotide variant.
Coding change: c.*92G>A on transcript NM_014694.4 (MANE Select); 92 bases downstream of the stop codon, G replaced by A.
Molecular consequence: 3 prime UTR variant.
Genome position (GRCh38, 1-based): chr9:133,574,956, G>A. VCF-style: chr9-133574956-G-A. GRCh37 (hg19) VCF-style: chr9-136440078-G-A.
Other names: c.*92G>A (NM_001145320.2).
Identifiers: ClinVar variation 365613 (VCV000365613.9), dbSNP rs62574238, ClinGen allele CA10626751.

ClinVar aggregate classification (germline): Benign. Review status: criteria provided, multiple submitters, no conflicts (2 of 4 stars). 3 submissions from 3 submitters: Benign (3). Last evaluated 2018-06-28.

Conditions:
Geleophysic dysplasia 1 (GPHYSD1). Also called: Geleophysic dwarfism. Identifiers: Orphanet 2623, MedGen C3278147, MONDO:0009269, OMIM 231050.

Allele frequency attached by ClinVar (database versions not stated): 1000 Genomes Project 0.04932; 1000 Genomes Project 30x 0.05684; TOPMed 0.09756; gnomAD exomes 0.11503.
gnomAD v4.1: 108,784 of 969,004 alleles (11%); highest among the groups gnomAD compares: Middle Eastern, 17%; 7,382 homozygotes.

Submissions (3):

GeneDx
Classification: Benign. Last evaluated: 2018-06-28. Review status: criteria provided, single submitter. Criteria: GeneDx Variant Classification Process June 2021. Collection method: clinical testing. Allele origin: germline. Affected: yes.

Illumina Laboratory Services, Illumina
Classification: Benign for Geleophysic dysplasia 1. Last evaluated: 2018-01-12. Review status: criteria provided, single submitter. Criteria: ICSL Variant Classification Criteria 13 December 2019. Collection method: clinical testing. Allele origin: germline.
Comment: This variant was observed in the ICSL laboratory as part of a predisposition screen in an ostensibly healthy population. It had not been previously curated by ICSL or reported in the Human Gene Mutation Database (HGMD: prior to June 1st, 2018), and was therefore a candidate for classification through an automated scoring system. Utilizing variant allele frequency, disease prevalence and penetrance estimates, and inheritance mode, an automated score was calculated to assess if this variant is too frequent to cause the disease. Based on the score and internal cut-off values, a variant classified as benign is not then subjected to further curation. The score for this variant resulted in a classification of benign for this disease.

Breakthrough Genomics
Classification: Benign. Review status: criteria provided, single submitter. Criteria: ACMG Guidelines, 2015. Collection method: not provided. Allele origin: germline. Inheritance: Autosomal recessive inheritance. Affected: yes.